The following is an entry in ClinVar:

ClinVar aggregate classification (germline): Uncertain significance (1 of 4 stars; one submission).

Allele frequency attached by ClinVar (database versions not stated): gnomAD exomes 0.00002 and 0.00004; ExAC 0.00004; gnomAD 0.00005 and 0.00006; TOPMed 0.00005; ESP Exome Variant Server 0.00015.

Submission:

Labcorp Genetics (formerly Invitae), Labcorp
Classification: Uncertain significance. Last evaluated: 2025-12-02. Review status: criteria provided, single submitter. Criteria: Invitae Variant Classification Sherloc (09022015). Collection method: clinical testing. Allele origin: germline.
Comment: This sequence change replaces alanine, which is neutral and non-polar, with serine, which is neutral and polar, at codon 45 of the SIAE protein (p.Ala45Ser). This variant is present in population databases (rs61910596, gnomAD 0.008%). This variant has not been reported in the literature in individuals affected with SIAE-related conditions. ClinVar contains an entry for this variant (Variation ID: 1434307). An algorithm developed to predict the effect of missense changes on protein structure and function (PolyPhen-2) suggests that this variant is likely to be disruptive. In summary, the available evidence is currently insufficient to determine the role of this variant in disease. Therefore, it has been classified as a Variant of Uncertain Significance.

NM_170601.5(SIAE):c.133G>T (p.Ala45Ser)

Gene: SIAE (sialic acid acetylesterase; minus strand). Cytogenetic location: 11q24.2.
Variant type: single nucleotide variant.
Coding change: c.133G>T on transcript NM_170601.5 (MANE Select); coding-DNA position 133, G replaced by T.
Protein change: p.Ala45Ser; replaces alanine 45 with serine.
Molecular consequence: missense variant.
Genome position (GRCh38, 1-based): chr11:124,669,456, C>A on the plus strand (G>T on the coding strand, the complement: SIAE is on the minus strand). VCF-style: chr11-124669456-C-A. GRCh37 (hg19) VCF-style: chr11-124539352-C-A.
Other names: c.28G>T, p.Ala10Ser (NM_001199922.2); short protein forms A10S, A45S.
Identifiers: ClinVar variation 1434307 (VCV001434307.6), dbSNP rs61910596, ClinGen allele CA6341653.
Genomic context (GRCh38, chr11:124,669,456, plus strand): 5'-GACCTTGGCGCAGGGTCACGGTCACTGTGGCTCCAGGTGTACCGAAGCCCCATATCACTG[C>A]CCCAGCAGGCTCCTTCTGCAGCACCATATCATTATTGATGTATGAAGCAAAGCGAAAACC-3'
Protein context (NP_733746.1, residues 35-55): DMVLQKEPAG[Ala45Ser]VIWGFGTPGA